The following is an entry in ClinVar:

ClinVar aggregate classification (germline): Uncertain significance. Review status: criteria provided, multiple submitters, no conflicts (2 of 4 stars). 2 submissions from 2 submitters: Uncertain significance (2). Last evaluated 2025-08-30.

Conditions:
DNMT1-related disorder. Also called: DNMT1-related condition. Identifiers: MedGen CN381527.
Hereditary sensory neuropathy-deafness-dementia syndrome. Also called: NEUROPATHY, HEREDITARY SENSORY, WITH HEARING LOSS AND DEMENTIA; Hereditary sensory neuropathy type IE; HSN IE; Hereditary Sensory and Autonomic Neuropathy Type 1E (HSAN1E). Identifiers: Orphanet 456318, MedGen C3279885, MONDO:0013584, OMIM 614116.

gnomAD v4.1: 13 of 1,612,428 alleles (0.00081%); highest among the groups gnomAD compares: Admixed American, 0.022%; no homozygotes.

Submissions (2):

PreventionGenetics, part of Exact Sciences
Classification: Uncertain significance for DNMT1-related condition. Last evaluated: 2025-08-30. Review status: criteria provided, single submitter. Criteria: ACMG Guidelines, 2015. Collection method: clinical testing. Allele origin: germline.
Comment: The DNMT1 c.4016A>G variant is predicted to result in the amino acid substitution p.Lys1339Arg. To our knowledge, this variant has not been reported in the literature. This variant is reported in 0.038% of alleles in individuals of Latino descent in gnomAD. Although we suspect that this variant may be benign, at this time, the clinical significance of this variant is uncertain due to the absence of conclusive functional and genetic evidence.

Labcorp Genetics (formerly Invitae), Labcorp
Classification: Uncertain significance for Hereditary sensory neuropathy-deafness-dementia syndrome. Last evaluated: 2025-08-16. Review status: criteria provided, single submitter. Criteria: Invitae Variant Classification Sherloc (09022015). Collection method: clinical testing. Allele origin: germline.
Comment: This sequence change replaces lysine, which is basic and polar, with arginine, which is basic and polar, at codon 1339 of the DNMT1 protein (p.Lys1339Arg). This variant is present in population databases (rs754203974, gnomAD 0.04%), and has an allele count higher than expected for a pathogenic variant. This variant has not been reported in the literature in individuals affected with DNMT1-related conditions. ClinVar contains an entry for this variant (Variation ID: 3626524). Invitae Evidence Modeling of protein sequence and biophysical properties (such as structural, functional, and spatial information, amino acid conservation, physicochemical variation, residue mobility, and thermodynamic stability) indicates that this missense variant is not expected to disrupt DNMT1 protein function with a negative predictive value of 80%. In summary, the available evidence is currently insufficient to determine the role of this variant in disease. Therefore, it has been classified as a Variant of Uncertain Significance.

NM_001130823.3(DNMT1):c.4016A>G (p.Lys1339Arg)

Gene: DNMT1 (DNA methyltransferase 1; minus strand). Cytogenetic location: 19p13.2.
Variant type: single nucleotide variant.
Coding change: c.4016A>G on transcript NM_001130823.3 (MANE Select); coding-DNA position 4016, A replaced by G.
Protein change: p.Lys1339Arg; replaces lysine 1339 with arginine.
Molecular consequence: missense variant.
Genome position (GRCh38, 1-based): chr19:10,138,538, T>C on the plus strand (A>G on the coding strand, the complement: DNMT1 is on the minus strand). VCF-style: chr19-10138538-T-C. GRCh37 (hg19) VCF-style: chr19-10249214-T-C.
Other names: c.3968A>G, p.Lys1323Arg (NM_001318730.2, NM_001379.4); c.3653A>G, p.Lys1218Arg (NM_001318731.2); c.4016A>G (NM_001130823.2); short protein forms K1218R, K1323R, K1339R.
Identifiers: ClinVar variation 3626524 (VCV003626524.3).